The following is an entry in ClinVar:

NM_020297.4(ABCC9):c.2260T>C (p.Tyr754His)

Gene: ABCC9 (ATP binding cassette subfamily C member 9; minus strand). Cytogenetic location: 12p12.1.
Variant type: single nucleotide variant.
Coding change: c.2260T>C on transcript NM_020297.4 (MANE Select); coding-DNA position 2260, T replaced by C.
Protein change: p.Tyr754His; replaces tyrosine 754 with histidine.
Molecular consequence: missense variant.
Genome position (GRCh38, 1-based): chr12:21,863,032, A>G on the plus strand (T>C on the coding strand, the complement: ABCC9 is on the minus strand). VCF-style: chr12-21863032-A-G. GRCh37 (hg19) VCF-style: chr12-22015966-A-G.
Other names: c.2260T>C, p.Tyr754His (NM_001377273.1, NM_005691.4); c.1393T>C, p.Tyr465His (NM_001377274.1); short protein forms Y465H, Y754H.
Identifiers: ClinVar variation 4766158 (VCV004766158.1).

ClinVar aggregate classification (germline): Uncertain significance (1 of 4 stars; one submission).

Conditions:
Dilated cardiomyopathy 1O (CMD1O). Also called: CARDIOMYOPATHY, DILATED, WITH VENTRICULAR TACHYCARDIA. Identifiers: Orphanet 154, MedGen C1837839, MONDO:0012062, OMIM 608569.

gnomAD v4.1: 2 of 1,611,414 alleles (0.00012%); highest among the groups gnomAD compares: Non-Finnish European, 0.000085%; no homozygotes.

Submission:

Labcorp Genetics (formerly Invitae), Labcorp
Classification: Uncertain significance for Dilated cardiomyopathy 1O. Last evaluated: 2025-02-16. Review status: criteria provided, single submitter. Criteria: Invitae Variant Classification Sherloc (09022015). Collection method: clinical testing. Allele origin: germline.
Comment: This sequence change replaces tyrosine, which is neutral and polar, with histidine, which is basic and polar, at codon 754 of the ABCC9 protein (p.Tyr754His). This variant is not present in population databases (gnomAD no frequency). This variant has not been reported in the literature in individuals affected with ABCC9-related conditions. Invitae Evidence Modeling of protein sequence and biophysical properties (such as structural, functional, and spatial information, amino acid conservation, physicochemical variation, residue mobility, and thermodynamic stability) indicates that this missense variant is expected to disrupt ABCC9 protein function with a positive predictive value of 95%. In summary, the available evidence is currently insufficient to determine the role of this variant in disease. Therefore, it has been classified as a Variant of Uncertain Significance.